The following is an entry in ClinVar:

NM_001042492.3(NF1):c.5597del (p.Asp1866fs)

Gene: NF1 (neurofibromin 1; plus strand). Cytogenetic location: 17q11.2.
Variant type: Deletion.
Coding change: c.5597del on transcript NM_001042492.3 (MANE Select); coding-DNA position 5597, one base deleted (A; older notation c.5597delA).
Protein change: p.Asp1866fs; shifts the reading frame from aspartic acid 1866.
Molecular consequence: frameshift variant.
Genome position (GRCh38, 1-based): chr17:31,327,827, A deleted. VCF-style (leftmost placement, unchanged base first): chr17-31327826-GA-G. GRCh37 (hg19) VCF-style: chr17-29654844-GA-G.
Other names: c.5534delA, p.Asp1845Alafs (NM_000267.4); short protein forms D1866fs, D1845fs.
Identifiers: ClinVar variation 1397551 (VCV001397551.6), dbSNP rs2151541931, ClinGen allele CA2573153410.

ClinVar aggregate classification (germline): Pathogenic (1 of 4 stars; one submission).

Conditions:
Neurofibromatosis, type 1 (NF1). Also called: VON RECKLINGHAUSEN DISEASE; Neurofibromatosis, type I; NEUROFIBROMATOSIS, TYPE I, SOMATIC; Peripheral type neurofibromatosis. Identifiers: Orphanet 636, MedGen C0027831, MONDO:0018975, OMIM 162200. Disease mechanism: loss of function.

Submission:

Labcorp Genetics (formerly Invitae), Labcorp
Classification: Pathogenic for Neurofibromatosis, type 1. Last evaluated: 2021-08-27. Review status: criteria provided, single submitter. Criteria: Invitae Variant Classification Sherloc (09022015). Collection method: clinical testing. Allele origin: germline.
Comment: This variant has not been reported in the literature in individuals affected with NF1-related conditions. For these reasons, this variant has been classified as Pathogenic. This variant is not present in population databases (ExAC no frequency). This sequence change creates a premature translational stop signal (p.Asp1845Alafs*15) in the NF1 gene. It is expected to result in an absent or disrupted protein product. Loss-of-function variants in NF1 are known to be pathogenic (PMID: 10712197, 23913538).

Literature cited by the submitters: PubMed 10712197; PubMed 23913538.